The following is an entry in ClinVar:

NM_000548.5(TSC2):c.2743-11C>T

Gene: TSC2 (TSC complex subunit 2; plus strand). Cytogenetic location: 16p13.3.
Variant type: single nucleotide variant.
Coding change: c.2743-11C>T on transcript NM_000548.5 (MANE Select); 11 bases into the intron before coding-DNA position 2743, C replaced by T.
Molecular consequence: intron variant.
Genome position (GRCh38, 1-based): chr16:2,076,480, C>T. VCF-style: chr16-2076480-C-T. GRCh37 (hg19) VCF-style: chr16-2126481-C-T.
Other names: c.2743-11C>T (NM_001114382.3, NM_021055.3, NM_001370405.1 and 3 more transcripts); c.2632-11C>T (NM_001318827.2); c.2143-11C>T (NM_001318831.2); c.2596-11C>T (NM_001318829.2); c.2776-11C>T (NM_001318832.2).
Identifiers: ClinVar variation 49559 (VCV000049559.11), dbSNP rs137854426, ClinGen allele CA018017.

ClinVar aggregate classification (germline): Benign/Likely benign. Review status: criteria provided, multiple submitters, no conflicts (2 of 4 stars). 4 submissions from 4 submitters: Benign (1); Likely benign (2). 1 of the submissions does not count toward it. Last evaluated 2025-09-27.

Conditions:
Tuberous sclerosis syndrome (TSC). Also called: Tuberous Sclerosis Complex; Tuberous sclerosis. Identifiers: Orphanet 805, MedGen C0041341, MONDO:0001734.
Tuberous sclerosis 2 (TSC2). Identifiers: Orphanet 805, MedGen C1860707, MONDO:0013199, OMIM 613254.

Allele frequency attached by ClinVar (database versions not stated): gnomAD 0.00003.
gnomAD v4.1: 4 of 1,613,212 alleles (0.00025%); highest among the groups gnomAD compares: East Asian, 0.0067%; no homozygotes.

Submissions (4):

Labcorp Genetics (formerly Invitae), Labcorp
Classification: Likely benign for Tuberous sclerosis 2. Last evaluated: 2025-09-27. Review status: criteria provided, single submitter. Criteria: Invitae Variant Classification Sherloc (09022015). Collection method: clinical testing. Allele origin: germline.

Myriad Genetics, Inc.
Classification: Benign for Tuberous sclerosis 2. Last evaluated: 2024-09-09. Review status: criteria provided, single submitter. Criteria: Myriad Autosomal Dominant, Autosomal Recessive and X-Linked Classification Criteria (2023). Collection method: clinical testing. Allele origin: unknown.
Comment: This variant is considered benign. This variant is intronic and is not expected to impact mRNA splicing. This variant has been observed at a population frequency that is significantly greater than expected given the associated disease prevalence and penetrance.

Blueprint Genetics
Classification: Likely benign. Last evaluated: 2020-12-18. Review status: criteria provided, single submitter. Criteria: ACMG Guidelines, 2015. Collection method: clinical testing. Allele origin: germline.

Tuberous sclerosis database (TSC2)
No classification provided. Condition: TSC. Review status: no classification provided. Criteria: Tuberous Sclerosis Database Assertion Criteria 2015. Collection method: curation. Allele origin: germline. Affected: yes. Not counted in ClinVar's aggregate classification.